The following is an entry in ClinVar:

NM_000282.4(PCCA):c.1366G>A (p.Gly456Ser)

Gene: PCCA (propionyl-CoA carboxylase subunit alpha; plus strand). Cytogenetic location: 13q32.3.
Variant type: single nucleotide variant.
Coding change: c.1366G>A on transcript NM_000282.4 (MANE Select); coding-DNA position 1366, G replaced by A.
Protein change: p.Gly456Ser; replaces glycine 456 with serine.
Molecular consequence: missense variant. On other transcripts: non-coding transcript variant (5).
Genome position (GRCh38, 1-based): chr13:100,309,845, G>A. VCF-style: chr13-100309845-G-A. GRCh37 (hg19) VCF-style: chr13-100962099-G-A.
Other names: c.1288G>A, p.Gly430Ser (NM_001127692.3, NM_001352607.2); c.1366G>A, p.Gly456Ser (NM_001178004.2, NM_001352605.2, NM_001352609.2); c.1222G>A, p.Gly408Ser (NM_001352606.2); c.1144G>A, p.Gly382Ser (NM_001352608.2); c.421G>A, p.Gly141Ser (NM_001352610.2, NM_001352611.2); c.277G>A, p.Gly93Ser (NM_001352612.2); short protein forms G93S, G141S, G408S, G430S, G456S, G382S.
Identifiers: ClinVar variation 1425803 (VCV001425803.7), dbSNP rs1566911665, ClinGen allele CA388695771.
Genomic context (GRCh38, chr13:100,309,845, plus strand): 5'-AGTTCTAAATATATATATATATTGGGTTTTTTGTTTGCTTGTTTTTAGCTAATCACATAT[G>A]GCTCTGATAGAACTGAGGCACTGAAGAGAATGGCAGATGCACTGGATAACTATGTTATTC-3'
Protein context (NP_000273.2, residues 446-466): DPMISKLITY[Gly456Ser]SDRTEALKRM

ClinVar aggregate classification (germline): Uncertain significance (1 of 4 stars; one submission).

Conditions:
Propionic acidemia (PROP). Also called: GLYCINEMIA, KETOTIC; HYPERGLYCINEMIA WITH KETOACIDOSIS AND LEUKOPENIA; KETOTIC HYPERGLYCINEMIA. Identifiers: Orphanet 35, MedGen C0268579, MONDO:0011628, OMIM 606054, HP:0003571.

Allele frequency attached by ClinVar (database versions not stated): TOPMed below 0.00001.

Submission:

Labcorp Genetics (formerly Invitae), Labcorp
Classification: Uncertain significance for Propionic acidemia. Last evaluated: 2022-08-16. Review status: criteria provided, single submitter. Criteria: Invitae Variant Classification Sherloc (09022015). Collection method: clinical testing. Allele origin: germline.
Comment: Advanced modeling of protein sequence and biophysical properties (such as structural, functional, and spatial information, amino acid conservation, physicochemical variation, residue mobility, and thermodynamic stability) performed at Invitae indicates that this missense variant is expected to disrupt PCCA protein function. In summary, the available evidence is currently insufficient to determine the role of this variant in disease. Therefore, it has been classified as a Variant of Uncertain Significance. Algorithms developed to predict the effect of sequence changes on RNA splicing suggest that this variant may create or strengthen a splice site. ClinVar contains an entry for this variant (Variation ID: 1425803). This variant has not been reported in the literature in individuals affected with PCCA-related conditions. This variant is not present in population databases (gnomAD no frequency). This sequence change replaces glycine, which is neutral and non-polar, with serine, which is neutral and polar, at codon 456 of the PCCA protein (p.Gly456Ser).